The following is an entry in ClinVar:

ClinVar aggregate classification (germline): Uncertain significance (1 of 4 stars; one submission).

Submission:

Ambry Genetics
Classification: Uncertain significance. Last evaluated: 2024-11-17. Review status: criteria provided, single submitter. Criteria: Ambry Variant Classification Scheme 2023. Collection method: clinical testing. Allele origin: germline.
Comment: The p.A72T variant (also known as c.214G>A), located in coding exon 1 of the GALNT12 gene, results from a G to A substitution at nucleotide position 214. The alanine at codon 72 is replaced by threonine, an amino acid with similar properties. This amino acid position is poorly conserved in available vertebrate species. In addition, this alteration is predicted to be tolerated by in silico analysis. Since supporting evidence is limited at this time, the clinical significance of this alteration remains unclear.

NM_024642.5(GALNT12):c.214G>A (p.Ala72Thr)

Gene: GALNT12 (polypeptide N-acetylgalactosaminyltransferase 12; plus strand). Cytogenetic location: 9q22.33.
Variant type: single nucleotide variant.
Coding change: c.214G>A on transcript NM_024642.5 (MANE Select); coding-DNA position 214, G replaced by A.
Protein change: p.Ala72Thr; replaces alanine 72 with threonine.
Molecular consequence: missense variant.
Genome position (GRCh38, 1-based): chr9:98,807,912, G>A. VCF-style: chr9-98807912-G-A. GRCh37 (hg19) VCF-style: chr9-101570194-G-A.
Other names: short protein forms A72T.
Identifiers: ClinVar variation 1786723 (VCV001786723.3), dbSNP rs1439506011, ClinGen allele CA374222536.